The following is an entry in ClinVar:

NM_000543.5(SMPD1):c.1492C>A (p.Arg498Ser)

Gene: SMPD1 (sphingomyelin phosphodiesterase 1; plus strand). Cytogenetic location: 11p15.4.
Variant type: single nucleotide variant.
Coding change: c.1492C>A on transcript NM_000543.5 (MANE Select); coding-DNA position 1492, C replaced by A.
Protein change: p.Arg498Ser; replaces arginine 498 with serine.
Molecular consequence: missense variant. On other transcripts: non-coding transcript variant (2), synonymous variant (1).
Genome position (GRCh38, 1-based): chr11:6,394,203, C>A. VCF-style: chr11-6394203-C-A. GRCh37 (hg19) VCF-style: chr11-6415433-C-A.
Other names: c.571C>A, p.Arg191Ser (NM_001318088.2); c.1360C>A, p.Arg454Ser (NM_001365135.2); c.1489C>A, p.Arg497Ser (NM_001007593.3); c.1512C>A, p.Thr504= (NM_001318087.2); short protein forms R191S, R497S, R498S, R454S.
Identifiers: ClinVar variation 2952393 (VCV002952393.3), dbSNP rs769904764, ClinGen allele CA379375745.
Genomic context (GRCh38, chr11:6,394,203, plus strand): 5'-CTCCCTGGAGTTACCCTTGCTCCTTGCCCCTCCAGTCAGCCCCACATCCTTGCAGGTTAC[C>A]GTGTGTACCAAATAGATGGAAACTACTCCGGGAGCTCTCACGTGGTCCTGGACCATGAGA-3'
Protein context (NP_000534.3, residues 488-508): TTYIGLNPGY[Arg498Ser]VYQIDGNYSG

ClinVar aggregate classification (germline): Likely pathogenic (1 of 4 stars; one submission).

Conditions:
Niemann-Pick disease, type B. Also called: Chronic Visceral ASMD (Niemann-Pick Disease Type B; NPD-B). Identifiers: Orphanet 77293, MedGen C0268243, MONDO:0011871, OMIM 607616. Disease mechanism: loss of function.
Niemann-Pick disease, type A. Also called: SPHINGOMYELIN LIPIDOSIS; SPHINGOMYELINASE DEFICIENCY; Infantile Neurovisceral ASMD (Niemann-Pick Disease Type A; NPD-A). Identifiers: Orphanet 77292, MedGen C0268242, MONDO:0009756, OMIM 257200. Disease mechanism: loss of function.

Submission:

Labcorp Genetics (formerly Invitae), Labcorp
Classification: Likely pathogenic for Niemann-Pick disease, type B; Niemann-Pick disease, type A. Last evaluated: 2024-02-19. Review status: criteria provided, single submitter. Criteria: Invitae Variant Classification Sherloc (09022015). Collection method: clinical testing. Allele origin: germline.
Comment: This sequence change replaces arginine, which is basic and polar, with serine, which is neutral and polar, at codon 498 of the SMPD1 protein (p.Arg498Ser). This variant is not present in population databases (gnomAD no frequency). This variant has not been reported in the literature in individuals affected with SMPD1-related conditions. Advanced modeling of protein sequence and biophysical properties (such as structural, functional, and spatial information, amino acid conservation, physicochemical variation, residue mobility, and thermodynamic stability) performed at Invitae indicates that this missense variant is expected to disrupt SMPD1 protein function with a positive predictive value of 95%. Algorithms developed to predict the effect of sequence changes on RNA splicing suggest that this variant may create or strengthen a splice site. This variant disrupts the p.Arg498 amino acid residue in SMPD1. Other variant(s) that disrupt this residue have been determined to be pathogenic (PMID: 15221801, 27338287, 31965297, 32292456; Invitae). This suggests that this residue is clinically significant, and that variants that disrupt this residue are likely to be disease-causing. In summary, the currently available evidence indicates that the variant is pathogenic, but additional data are needed to prove that conclusively. Therefore, this variant has been classified as Likely Pathogenic.

Literature cited by the submitters: PubMed 15221801; PubMed 27338287; PubMed 31965297; PubMed 32292456.